The following is an entry in ClinVar:

NM_020987.5(ANK3):c.3822C>G (p.Ser1274=)

Gene: ANK3 (ankyrin 3; minus strand). Cytogenetic location: 10q21.2.
Variant type: single nucleotide variant.
Coding change: c.3822C>G on transcript NM_020987.5 (MANE Select); coding-DNA position 3822, C replaced by G.
Protein change: p.Ser1274=; no amino-acid change (serine 1274 retained).
Molecular consequence: synonymous variant.
Genome position (GRCh38, 1-based): chr10:60,085,180, G>C on the plus strand (C>G on the coding strand, the complement: ANK3 is on the minus strand). VCF-style: chr10-60085180-G-C. GRCh37 (hg19) VCF-style: chr10-61844938-G-C.
Other names: c.1224C>G, p.Ser408= (NM_001149.4); c.3804C>G, p.Ser1268= (NM_001204403.2); c.3825C>G, p.Ser1275= (NM_001204404.2); c.3822C>G, p.Ser1274= (NM_001320874.2).
Identifiers: ClinVar variation 722658 (VCV000722658.53), dbSNP rs184515022, ClinGen allele CA5512392.

ClinVar aggregate classification (germline): Likely benign. Review status: criteria provided, multiple submitters, no conflicts (2 of 4 stars). 4 submissions from 4 submitters: Likely benign (3). 1 of the submissions does not count toward it. Last evaluated 2026-08-01.

Conditions:
ANK3-related disorder. Also called: ANK3-related condition.

Allele frequency attached by ClinVar (database versions not stated): ExAC 0.00032; gnomAD exomes 0.00047 and 0.00062; ESP Exome Variant Server 0.00054; 1000 Genomes Project 0.00060; 1000 Genomes Project 30x 0.00062; gnomAD 0.00089 and 0.00095; TOPMed 0.00144.
gnomAD v4.1: 1,047 of 1,612,564 alleles (0.065%); highest among the groups gnomAD compares: Admixed American, 0.29%; 2 homozygotes.

Submissions (4):

CeGaT Center for Human Genetics Tuebingen
Classification: Likely benign. Last evaluated: 2026-08-01. Review status: criteria provided, single submitter. Criteria: CeGaT Center For Human Genetics Tuebingen Variant Classification Criteria Version 2. Collection method: clinical testing. Allele origin: germline. Affected: yes. Observed: 4 variant alleles.
Comment: ANK3: BP4, BP7

Labcorp Genetics (formerly Invitae), Labcorp
Classification: Likely benign. Last evaluated: 2025-02-20. Review status: criteria provided, single submitter. Criteria: Invitae Variant Classification Sherloc (09022015). Collection method: clinical testing. Allele origin: germline.

Blueprint Genetics
Classification: Likely benign. Last evaluated: 2024-10-31. Review status: criteria provided, single submitter. Criteria: ACMG Guidelines, 2015. Collection method: clinical testing. Allele origin: germline.

PreventionGenetics, part of Exact Sciences
Classification: Likely benign for ANK3-related condition. Last evaluated: 2019-05-21. Review status: no assertion criteria provided. Collection method: clinical testing. Allele origin: germline. Not counted in ClinVar's aggregate classification.
Comment: This variant is classified as likely benign based on ACMG/AMP sequence variant interpretation guidelines (Richards et al. 2015 PMID: 25741868, with internal and published modifications).